The following is an entry in ClinVar:

ClinVar aggregate classification (germline): Uncertain significance (1 of 4 stars; one submission).

Conditions:
Cardiovascular phenotype. Identifiers: MedGen CN230736.

Allele frequency attached by ClinVar (database versions not stated): gnomAD exomes below 0.00001; ExAC 0.00001; gnomAD 0.00001.
gnomAD v4.1: 3 of 1,612,988 alleles (0.00019%); highest among the groups gnomAD compares: Admixed American, 0.005%; no homozygotes.

Submission:

Ambry Genetics
Classification: Uncertain significance for Cardiovascular phenotype. Last evaluated: 2020-03-20. Review status: criteria provided, single submitter. Criteria: Ambry Variant Classification Scheme 2023. Collection method: clinical testing. Allele origin: germline.
Comment: The p.K15510R variant (also known as c.46529A>G), located in coding exon 153 of the TTN gene, results from an A to G substitution at nucleotide position 46529. The lysine at codon 15510 is replaced by arginine, an amino acid with highly similar properties. This amino acid position is highly conserved in available vertebrate species. In addition, this alteration is predicted to be tolerated by in silico analysis. Since supporting evidence is limited at this time, the clinical significance of this alteration remains unclear.

NM_001267550.2(TTN):c.73724A>G (p.Lys24575Arg)

Genes: TTN (titin; minus strand), TTN-AS1 (TTN antisense RNA 1; plus strand). Cytogenetic location: 2q31.2.
Variant type: single nucleotide variant.
Coding change: c.73724A>G on transcript NM_001267550.2 (MANE Select); coding-DNA position 73724, A replaced by G.
Protein change: p.Lys24575Arg; replaces lysine 24575 with arginine.
Molecular consequence: missense variant.
Genome position (GRCh38, 1-based): chr2:178,572,408, T>C on the plus strand (A>G on the coding strand, the complement: TTN is on the minus strand). VCF-style: chr2-178572408-T-C. GRCh37 (hg19) VCF-style: chr2-179437135-T-C.
Other names: c.68801A>G, p.Lys22934Arg (NM_001256850.1); c.46529A>G, p.Lys15510Arg (NM_003319.4); c.66020A>G, p.Lys22007Arg (NM_133378.4); c.46904A>G, p.Lys15635Arg (NM_133432.3); c.47105A>G, p.Lys15702Arg (NM_133437.4); short protein forms K15702R, K22934R, K15510R, K24575R, K15635R, K22007R.
Identifiers: ClinVar variation 1742192 (VCV001742192.2), dbSNP rs766059820, ClinGen allele CA1990327.